The following is an entry in ClinVar:

NM_203447.4(DOCK8):c.5716C>T (p.Arg1906Trp)

Gene: DOCK8 (dedicator of cytokinesis 8; plus strand). Cytogenetic location: 9p24.3.
Variant type: single nucleotide variant.
Coding change: c.5716C>T on transcript NM_203447.4 (MANE Select); coding-DNA position 5716, C replaced by T.
Protein change: p.Arg1906Trp; replaces arginine 1906 with tryptophan.
Molecular consequence: missense variant.
Genome position (GRCh38, 1-based): chr9:446,505, C>T. VCF-style: chr9-446505-C-T. GRCh37 (hg19) VCF-style: chr9-446505-C-T.
Other names: c.5416C>T, p.Arg1806Trp (NM_001190458.2); c.5512C>T, p.Arg1838Trp (NM_001193536.2); short protein forms R1838W, R1806W, R1906W.
Identifiers: ClinVar variation 2843025 (VCV002843025.3), dbSNP rs1163328942, ClinGen allele CA372769058.
Genomic context (GRCh38, chr9:446,505, plus strand): 5'-AAGAATTTCAACCTCCGGAGGTTCATGTACACCACCCCGTTCACCCTGGAGGGGCGGCCT[C>T]GGGGAGAGCTGCATGAGCAGTACAGAAGGAACACAGTCCTGACCACTATGCACGCCTTCC-3'
Protein context (NP_982272.2, residues 1896-1916): TTPFTLEGRP[Arg1906Trp]GELHEQYRRN

ClinVar aggregate classification (germline): Uncertain significance (1 of 4 stars; one submission).

Conditions:
Combined immunodeficiency due to DOCK8 deficiency (HIES2). Also called: HIES autosomal recessive; Hyper-IgE recurrent infection syndrome, autosomal recessive; HYPER-IgE RECURRENT INFECTION SYNDROME 2, AUTOSOMAL RECESSIVE; HYPER-IgE SYNDROME 2, AUTOSOMAL RECESSIVE, WITH RECURRENT INFECTIONS; DOCK8 Deficiency. Identifiers: Orphanet 217390, MedGen C4722305, MONDO:0009478, OMIM 243700.

Allele frequency attached by ClinVar (database versions not stated): gnomAD exomes 0.00001.
gnomAD v4.1: 9 of 1,614,198 alleles (0.00056%); highest among the groups gnomAD compares: Non-Finnish European, 0.00076%; no homozygotes.

Submission:

Labcorp Genetics (formerly Invitae), Labcorp
Classification: Uncertain significance for Combined immunodeficiency due to DOCK8 deficiency. Last evaluated: 2023-07-19. Review status: criteria provided, single submitter. Criteria: Invitae Variant Classification Sherloc (09022015). Collection method: clinical testing. Allele origin: germline.
Comment: This sequence change replaces arginine, which is basic and polar, with tryptophan, which is neutral and slightly polar, at codon 1906 of the DOCK8 protein (p.Arg1906Trp). This variant is present in population databases (no rsID available, gnomAD 0.0009%). This variant has not been reported in the literature in individuals affected with DOCK8-related conditions. Advanced modeling of protein sequence and biophysical properties (such as structural, functional, and spatial information, amino acid conservation, physicochemical variation, residue mobility, and thermodynamic stability) performed at Invitae indicates that this missense variant is not expected to disrupt DOCK8 protein function. In summary, the available evidence is currently insufficient to determine the role of this variant in disease. Therefore, it has been classified as a Variant of Uncertain Significance.